The following is an entry in ClinVar:

ClinVar aggregate classification (germline): Uncertain significance. Review status: criteria provided, multiple submitters, no conflicts (2 of 4 stars). 2 submissions from 2 submitters: Uncertain significance (2). Last evaluated 2025-12-08.

Allele frequency attached by ClinVar (database versions not stated): gnomAD exomes below 0.00001.
gnomAD v4.1: 1 of 1,613,666 alleles (0.000062%); no homozygotes.

Submissions (2):

Labcorp Genetics (formerly Invitae), Labcorp
Classification: Uncertain significance. Last evaluated: 2025-12-08. Review status: criteria provided, single submitter. Criteria: Invitae Variant Classification Sherloc (09022015). Collection method: clinical testing. Allele origin: germline.
Comment: This sequence change replaces alanine, which is neutral and non-polar, with serine, which is neutral and polar, at codon 864 of the DHX37 protein (p.Ala864Ser). This variant is present in population databases (no rsID available, gnomAD 0.01%). This variant has not been reported in the literature in individuals affected with DHX37-related conditions. ClinVar contains an entry for this variant (Variation ID: 2845655). Invitae Evidence Modeling of protein sequence and biophysical properties (such as structural, functional, and spatial information, amino acid conservation, physicochemical variation, residue mobility, and thermodynamic stability) indicates that this missense variant is not expected to disrupt DHX37 protein function with a negative predictive value of 80%. In summary, the available evidence is currently insufficient to determine the role of this variant in disease. Therefore, it has been classified as a Variant of Uncertain Significance.

Dasa
Classification: Uncertain significance. Last evaluated: 2025-08-29. Review status: criteria provided, single submitter. Criteria: DASA Assertion Criteria. Collection method: clinical testing. Allele origin: germline.
Comment: NM_032656.4(DHX37):c.2590G>T (p.Ala864Ser) is a missense variant that results in the substitution of alanine with serine. This variant is rare in population databases. The currently available literature and clinical evidence are not sufficient to establish a definitive association between this variant and the reported condition. Therefore, this variant is classified as a variant of uncertain significance.

NM_032656.4(DHX37):c.2590G>T (p.Ala864Ser)

Gene: DHX37 (DEAH-box helicase 37; minus strand). Cytogenetic location: 12q24.31.
Variant type: single nucleotide variant.
Coding change: c.2590G>T on transcript NM_032656.4 (MANE Select); coding-DNA position 2590, G replaced by T.
Protein change: p.Ala864Ser; replaces alanine 864 with serine.
Molecular consequence: missense variant.
Genome position (GRCh38, 1-based): chr12:124,953,985, C>A on the plus strand (G>T on the coding strand, the complement: DHX37 is on the minus strand). VCF-style: chr12-124953985-C-A. GRCh37 (hg19) VCF-style: chr12-125438531-C-A.
Other names: short protein forms A864S.
Identifiers: ClinVar variation 2845655 (VCV002845655.5), dbSNP rs1468604657, ClinGen allele CA387221983.
Genomic context (GRCh38, chr12:124,953,985, plus strand): 5'-CTTTGTACCGCAGCCCGTTGGCTTCGCAAAACTGGGGTGTGCAGCTGGCATACTCACAGG[C>A]TCCCACGGCGCCTGGGGAACGAAGAGGGGGCATGCTCTCTCTCTGACCCATCCCAGACCT-3'
Protein context (NP_116045.2, residues 854-874): DLMVLLGAVG[Ala864Ser]CEYASCTPQF